The following is an entry in ClinVar:

ClinVar aggregate classification (germline): Pathogenic/Likely pathogenic. Review status: criteria provided, multiple submitters, no conflicts (2 of 4 stars). 6 submissions from 6 submitters: Pathogenic (5); Likely pathogenic (1). Last evaluated 2025-08-20.

Conditions:
Congenital contractures of the limbs and face, hypotonia, and developmental delay (CLIFAHDD). Identifiers: Orphanet 562528, MedGen C4225398, MONDO:0014556, OMIM 616266.
Hypotonia, infantile, with psychomotor retardation and characteristic facies 1 (INNFD). Identifiers: Orphanet 371364, Orphanet 700336, MedGen C3809454, MONDO:0024567, OMIM 615419.

Allele frequency attached by ClinVar (database versions not stated): TOPMed below 0.00001.
gnomAD v4.1: 5 of 1,613,426 alleles (0.00031%); highest among the groups gnomAD compares: Non-Finnish European, 0.00042%; no homozygotes.

Submissions (6):

Dasa
Classification: Pathogenic. Last evaluated: 2025-08-20. Review status: criteria provided, single submitter. Criteria: DASA Assertion Criteria. Collection method: clinical testing. Allele origin: germline.
Comment: NM_052867.4(NALCN):c.1894C>T (p.Arg632*) introduces a premature termination codon predicted to result in loss of normal protein function. Loss-of-function is an established mechanism of disease for this gene. Segregation evidence has been reported in affected families. This variant has been observed in affected individuals with related phenotype in a genotype context consistent with recessive disease (PMID: 25533962). This variant has been reported in individuals with related phenotype (PMID: 25533962). The variant is present at low frequency in population datasets. Based on the available data, this variant is classified as pathogenic.

Labcorp Genetics (formerly Invitae), Labcorp
Classification: Pathogenic. Last evaluated: 2023-09-27. Review status: criteria provided, single submitter. Criteria: Invitae Variant Classification Sherloc (09022015). Collection method: clinical testing. Allele origin: germline.
Comment: For these reasons, this variant has been classified as Pathogenic. ClinVar contains an entry for this variant (Variation ID: 1323324). This variant is also known as chr13:101797193G>A. This premature translational stop signal has been observed in individual(s) with clinical features of NALCN-related conditions (PMID: 25533962). This variant is present in population databases (no rsID available, gnomAD 0.0009%). This sequence change creates a premature translational stop signal (p.Arg632*) in the NALCN gene. It is expected to result in an absent or disrupted protein product. Loss-of-function variants in NALCN are known to be pathogenic (PMID: 23749988, 24075186).

GeneDx
Classification: Pathogenic. Last evaluated: 2022-11-21. Review status: criteria provided, single submitter. Criteria: GeneDx Variant Classification Process June 2021. Collection method: clinical testing. Allele origin: germline. Affected: yes.
Comment: Nonsense variant predicted to result in protein truncation or nonsense mediated decay in a gene for which loss-of-function is a known mechanism of disease; This variant is associated with the following publications: (PMID: 25533962)

Revvity Omics, Revvity
Classification: Pathogenic. Last evaluated: 2022-04-21. Review status: criteria provided, single submitter. Criteria: ACMG Guidelines, 2015. Collection method: clinical testing. Allele origin: germline.

Fulgent Genetics
Classification: Pathogenic for Hypotonia, infantile, with psychomotor retardation and characteristic facies 1; Congenital contractures of the limbs and face, hypotonia, and developmental delay. Last evaluated: 2022-01-14. Review status: criteria provided, single submitter. Criteria: ACMG Guidelines, 2015. Collection method: clinical testing. Allele origin: unknown.

Laboratorio de Genetica e Diagnostico Molecular, Hospital Israelita Albert Einstein
Classification: Likely pathogenic. Last evaluated: 2019-12-26. Review status: criteria provided, single submitter. Criteria: ACMG Guidelines, 2015. Collection method: clinical testing. Allele origin: germline. Affected: yes.
Comment: ACMG classification criteria: PVS1, PM2

Literature cited by the submitters: PubMed 25533962 (cited by Dasa and Labcorp Genetics (formerly Invitae), Labcorp); PubMed 23749988 (cited by Labcorp Genetics (formerly Invitae), Labcorp); PubMed 24075186 (cited by Labcorp Genetics (formerly Invitae), Labcorp).

NM_052867.4(NALCN):c.1894C>T (p.Arg632Ter)

Gene: NALCN (sodium leak channel, non-selective; minus strand). Cytogenetic location: 13q33.1.
Variant type: single nucleotide variant.
Coding change: c.1894C>T on transcript NM_052867.4 (MANE Select); coding-DNA position 1894, C replaced by T.
Protein change: p.Arg632Ter; replaces arginine 632 with a stop codon.
Molecular consequence: nonsense.
Genome position (GRCh38, 1-based): chr13:101,144,842, G>A on the plus strand (C>T on the coding strand, the complement: NALCN is on the minus strand). VCF-style: chr13-101144842-G-A. GRCh37 (hg19) VCF-style: chr13-101797193-G-A.
Other names: c.1894C>T, p.Arg632Ter (NM_001350748.2, NM_001350749.2); c.1807C>T, p.Arg603Ter (NM_001350750.2, NM_001350751.2); short protein forms R603*, R632*.
Identifiers: ClinVar variation 1323324 (VCV001323324.12), dbSNP rs541633673, ClinGen allele CA388671815.